The following is an entry in ClinVar:

ClinVar aggregate classification (germline): Uncertain significance (1 of 4 stars; one submission).

Conditions:
Dyskeratosis congenita, autosomal recessive 6 (DKCB6). Identifiers: MedGen C4225356, MONDO:0014600, OMIM 616353.
Pulmonary fibrosis and/or bone marrow failure, Telomere-related, 4. Also called: PULMONARY FIBROSIS AND/OR BONE MARROW FAILURE SYNDROME, TELOMERE-RELATED, 4. Identifiers: Orphanet 2032, MedGen C4225347, MONDO:0014612, OMIM 616371.

Submission:

Labcorp Genetics (formerly Invitae), Labcorp
Classification: Uncertain significance for Dyskeratosis congenita, autosomal recessive 6; Pulmonary fibrosis and/or bone marrow failure, Telomere-related, 4. Last evaluated: 2020-07-20. Review status: criteria provided, single submitter. Criteria: Invitae Variant Classification Sherloc (09022015). Collection method: clinical testing. Allele origin: germline.
Comment: In summary, the available evidence is currently insufficient to determine the role of this variant in disease. Therefore, it has been classified as a Variant of Uncertain Significance. Experimental studies and prediction algorithms are not available or were not evaluated, and the functional significance of this variant is currently unknown. This variant has not been reported in the literature in individuals with PARN-related conditions. This variant results in a copy number gain of the genomic region encompassing exon(s) 1-18 of the PARN gene, which includes the initiator codon. The 5' end of this event is unknown as it extends beyond the assayed region for this gene and therefore may encompass additional genes. The 3' boundary is likely confined to intron 18 of the PARN gene. As the precise location of this event is unknown, it may be in tandem or it may be located elsewhere in the genome.

NC_000016.9:g.(?_14674711)_(14724002_?)dup

Gene: PARN (poly(A)-specific ribonuclease; minus strand). Cytogenetic location: 16p13.12.
Variant type: Duplication.
Identifiers: ClinVar variation 1019950 (VCV001019950.9).